The following is an entry in ClinVar:

ClinVar aggregate classification (germline): Uncertain significance. Review status: criteria provided, multiple submitters, no conflicts (2 of 4 stars). 2 submissions from 2 submitters: Uncertain significance (2). Last evaluated 2025-08-27.

Conditions:
Inborn genetic diseases. Identifiers: MedGen C0950123, MeSH D030342.

Allele frequency attached by ClinVar (database versions not stated): TOPMed 0.00004; gnomAD 0.00005; gnomAD exomes 0.00007 and 0.00010; ExAC 0.00010.
gnomAD v4.1: 146 of 1,612,818 alleles (0.0091%); highest among the groups gnomAD compares: Non-Finnish European, 0.012%; no homozygotes.

Submissions (2):

Ambry Genetics
Classification: Uncertain significance for Inborn genetic diseases. Last evaluated: 2025-08-27. Review status: criteria provided, single submitter. Criteria: Ambry Variant Classification Scheme 2023. Collection method: clinical testing. Allele origin: germline.

Labcorp Genetics (formerly Invitae), Labcorp
Classification: Uncertain significance. Last evaluated: 2022-09-27. Review status: criteria provided, single submitter. Criteria: Invitae Variant Classification Sherloc (09022015). Collection method: clinical testing. Allele origin: germline.
Comment: This sequence change replaces lysine, which is basic and polar, with glutamic acid, which is acidic and polar, at codon 402 of the C9 protein (p.Lys402Glu). This variant is present in population databases (rs748469015, gnomAD 0.01%). This variant has not been reported in the literature in individuals affected with C9-related conditions. ClinVar contains an entry for this variant (Variation ID: 1364816). Advanced modeling of protein sequence and biophysical properties (such as structural, functional, and spatial information, amino acid conservation, physicochemical variation, residue mobility, and thermodynamic stability) performed at Invitae indicates that this missense variant is not expected to disrupt C9 protein function. In summary, the available evidence is currently insufficient to determine the role of this variant in disease. Therefore, it has been classified as a Variant of Uncertain Significance.

NM_001737.5(C9):c.1204A>G (p.Lys402Glu)

Gene: C9 (complement C9; minus strand). Cytogenetic location: 5p13.1.
Variant type: single nucleotide variant.
Coding change: c.1204A>G on transcript NM_001737.5 (MANE Select); coding-DNA position 1204, A replaced by G.
Protein change: p.Lys402Glu; replaces lysine 402 with glutamic acid.
Molecular consequence: missense variant.
Genome position (GRCh38, 1-based): chr5:39,308,266, T>C on the plus strand (A>G on the coding strand, the complement: C9 is on the minus strand). VCF-style: chr5-39308266-T-C. GRCh37 (hg19) VCF-style: chr5-39308368-T-C.
Other names: c.1204A>G (NM_001737.3); short protein forms K402E.
Identifiers: ClinVar variation 1364816 (VCV001364816.6), dbSNP rs748469015, ClinGen allele CA3246766.